The following is an entry in ClinVar:

NM_004360.5(CDH1):c.269G>T (p.Arg90Leu)

Gene: CDH1 (cadherin 1; plus strand). Cytogenetic location: 16q22.1.
Variant type: single nucleotide variant.
Coding change: c.269G>T on transcript NM_004360.5 (MANE Select); coding-DNA position 269, G replaced by T.
Protein change: p.Arg90Leu; replaces arginine 90 with leucine.
Molecular consequence: missense variant. On other transcripts: 5 prime UTR variant (2).
Genome position (GRCh38, 1-based): chr16:68,801,775, G>T. VCF-style: chr16-68801775-G-T. GRCh37 (hg19) VCF-style: chr16-68835678-G-T.
Other names: c.269G>T, p.Arg90Leu (NM_001317184.2); c.-1347G>T (NM_001317185.2); c.-1551G>T (NM_001317186.2); short protein forms R90L.
Identifiers: ClinVar variation 1491276 (VCV001491276.6), dbSNP rs587782647, ClinGen allele CA396457274.
Genomic context (GRCh38, chr16:68,801,775, plus strand): 5'-CCCTCGACACCCGATTCAAAGTGGGCACAGATGGTGTGATTACAGTCAAAAGGCCTCTAC[G>T]GTTTCATAACCCACAGATCCATTTCTTGGTCTACGCCTGGGACTCCACCTACAGAAAGTT-3'
Protein context (NP_004351.1, residues 80-100): DGVITVKRPL[Arg90Leu]FHNPQIHFLV

ClinVar aggregate classification (germline): Uncertain significance (1 of 4 stars; one submission).

Conditions:
Hereditary diffuse gastric adenocarcinoma (HDGC). Also called: DIFFUSE GASTRIC AND LOBULAR BREAST CANCER SYNDROME. Identifiers: Orphanet 26106, MedGen C1708349, MONDO:0007648, OMIM 137215.

Submission:

Labcorp Genetics (formerly Invitae), Labcorp
Classification: Uncertain significance for Hereditary diffuse gastric adenocarcinoma. Last evaluated: 2022-07-19. Review status: criteria provided, single submitter. Criteria: Invitae Variant Classification Sherloc (09022015). Collection method: clinical testing. Allele origin: germline.
Comment: In summary, the available evidence is currently insufficient to determine the role of this variant in disease. Therefore, it has been classified as a Variant of Uncertain Significance. Algorithms developed to predict the effect of sequence changes on RNA splicing suggest that this variant may create or strengthen a splice site. Algorithms developed to predict the effect of missense changes on protein structure and function (SIFT, PolyPhen-2, Align-GVGD) all suggest that this variant is likely to be tolerated. ClinVar contains an entry for this variant (Variation ID: 1491276). This variant has not been reported in the literature in individuals affected with CDH1-related conditions. This variant is not present in population databases (gnomAD no frequency). This sequence change replaces arginine, which is basic and polar, with leucine, which is neutral and non-polar, at codon 90 of the CDH1 protein (p.Arg90Leu).